The following is an entry in ClinVar:

ClinVar aggregate classification (germline): Uncertain significance (1 of 4 stars; one submission).

Conditions:
Hereditary cancer-predisposing syndrome. Also called: Neoplastic Syndromes, Hereditary; Tumor predisposition; Hereditary Cancer Syndrome; Hereditary neoplastic syndrome. Identifiers: Orphanet 140162, MedGen C0027672, MeSH D009386, MONDO:0015356.

Allele frequency attached by ClinVar (database versions not stated): gnomAD exomes below 0.00001.
gnomAD v4.1: 1 of 1,614,258 alleles (0.000062%); highest among the groups gnomAD compares: South Asian, 0.0011%; no homozygotes.

Submission:

Ambry Genetics
Classification: Uncertain significance for Hereditary cancer-predisposing syndrome. Last evaluated: 2024-03-21. Review status: criteria provided, single submitter. Criteria: Ambry Variant Classification Scheme 2023. Collection method: clinical testing. Allele origin: germline.
Comment: The p.R233K variant (also known as c.698G>A), located in coding exon 4 of the FLCN gene, results from a G to A substitution at nucleotide position 698. The arginine at codon 233 is replaced by lysine, an amino acid with highly similar properties. This amino acid position is highly conserved in available vertebrate species. In addition, the in silico prediction for this alteration is inconclusive. Based on the available evidence, the clinical significance of this alteration remains unclear.

NM_144997.7(FLCN):c.698G>A (p.Arg233Lys)

Gene: FLCN (folliculin; minus strand). Cytogenetic location: 17p11.2.
Variant type: single nucleotide variant.
Coding change: c.698G>A on transcript NM_144997.7 (MANE Select); coding-DNA position 698, G replaced by A.
Protein change: p.Arg233Lys; replaces arginine 233 with lysine.
Molecular consequence: missense variant.
Genome position (GRCh38, 1-based): chr17:17,222,582, C>T on the plus strand (G>A on the coding strand, the complement: FLCN is on the minus strand). VCF-style: chr17-17222582-C-T. GRCh37 (hg19) VCF-style: chr17-17125896-C-T.
Other names: c.752G>A, p.Arg251Lys (NM_001353229.2); c.698G>A, p.Arg233Lys (NM_001353230.2, NM_001353231.2, NM_144606.7); short protein forms R233K, R251K.
Identifiers: ClinVar variation 1756467 (VCV001756467.3), dbSNP rs2544233910, ClinGen allele CA398533980.